The following is an entry in ClinVar:

NM_153704.6(TMEM67):c.406+4A>G

Gene: TMEM67 (transmembrane protein 67; plus strand). Cytogenetic location: 8q22.1.
Variant type: single nucleotide variant.
Coding change: c.406+4A>G on transcript NM_153704.6 (MANE Select); 4 bases into the intron after coding-DNA position 406, A replaced by G.
Molecular consequence: intron variant.
Genome position (GRCh38, 1-based): chr8:93,758,580, A>G. VCF-style: chr8-93758580-A-G. GRCh37 (hg19) VCF-style: chr8-94770808-A-G.
Other names: c.406+4A>G (NM_153704.5); c.29+4A>G (NM_001142301.1).
Identifiers: ClinVar variation 2062887 (VCV002062887.3), dbSNP rs1182133683, ClinGen allele CA583407082.

ClinVar aggregate classification (germline): Uncertain significance. Review status: criteria provided, multiple submitters, no conflicts (2 of 4 stars). 3 submissions from 3 submitters: Uncertain significance (2). 1 of the submissions does not count toward it. Last evaluated 2024-12-14.

Conditions:
TMEM67-related disorder. Also called: TMEM67-related condition; TMEM67-related disorders. Identifiers: MedGen CN239423.
Meckel-Gruber syndrome. Also called: Dysencephalia splachnocystica; DYSENCEPHALIA SPLANCHNOCYSTICA; GRUBER SYNDROME. Identifiers: Orphanet 564, MedGen C0265215, MONDO:0018921.
Joubert syndrome. Also called: Familial aplasia of the vermis; JOUBERT-BOLTSHAUSER SYNDROME. Identifiers: Orphanet 475, MedGen C5979921, MONDO:0018772.

Allele frequency attached by ClinVar (database versions not stated): gnomAD 0.00001; gnomAD exomes 0.00001; TOPMed 0.00001.
gnomAD v4.1: 13 of 1,602,598 alleles (0.00081%); highest among the groups gnomAD compares: Non-Finnish European, 0.001%; no homozygotes.

Submissions (3):

Women's Health and Genetics/Laboratory Corporation of America, LabCorp
Classification: Uncertain significance. Last evaluated: 2024-12-14. Review status: criteria provided, single submitter. Criteria: LabCorp Variant Classification Summary - May 2015. Collection method: clinical testing. Allele origin: germline.

Labcorp Genetics (formerly Invitae), Labcorp
Classification: Uncertain significance for Joubert syndrome; Meckel-Gruber syndrome. Last evaluated: 2022-07-19. Review status: criteria provided, single submitter. Criteria: Invitae Variant Classification Sherloc (09022015). Collection method: clinical testing. Allele origin: germline.
Comment: This sequence change falls in intron 3 of the TMEM67 gene. It does not directly change the encoded amino acid sequence of the TMEM67 protein. It affects a nucleotide within the consensus splice site. This variant is present in population databases (no rsID available, gnomAD 0.002%). This variant has not been reported in the literature in individuals affected with TMEM67-related conditions. Variants that disrupt the consensus splice site are a relatively common cause of aberrant splicing (PMID: 17576681, 9536098). Algorithms developed to predict the effect of sequence changes on RNA splicing suggest that this variant may disrupt the consensus splice site. In summary, the available evidence is currently insufficient to determine the role of this variant in disease. Therefore, it has been classified as a Variant of Uncertain Significance.

PreventionGenetics, part of Exact Sciences
Classification: Uncertain significance for TMEM67-related condition. Last evaluated: 2024-09-04. Review status: no assertion criteria provided. Collection method: clinical testing. Allele origin: germline. Not counted in ClinVar's aggregate classification.
Comment: The TMEM67 c.406+4A>G variant is predicted to interfere with splicing. To our knowledge, this variant has not been reported in the literature. This variant is reported in 0.0018% of alleles in individuals of European (Non-Finnish) descent in gnomAD. At this time, the clinical significance of this variant is uncertain due to the absence of conclusive functional and genetic evidence.

Literature cited by the submitters: PubMed 17576681 (cited by Labcorp Genetics (formerly Invitae), Labcorp); PubMed 9536098 (cited by Labcorp Genetics (formerly Invitae), Labcorp).